The following is an entry in ClinVar:

ClinVar aggregate classification (germline): Benign/Likely benign. Review status: criteria provided, multiple submitters, no conflicts (2 of 4 stars). 2 submissions from 2 submitters: Benign (1); Likely benign (1). Last evaluated 2024-11-27.

Allele frequency attached by ClinVar (database versions not stated): 1000 Genomes Project 30x 0.00078; 1000 Genomes Project 0.00080; ExAC 0.00096; TOPMed 0.00100; gnomAD 0.00106; ESP Exome Variant Server 0.00138; gnomAD exomes 0.00163.
gnomAD v4.1: 2,533 of 1,614,190 alleles (0.16%); highest among the groups gnomAD compares: Non-Finnish European, 0.19%; 7 homozygotes.

Submissions (2):

Blueprint Genetics
Classification: Likely benign. Last evaluated: 2024-11-27. Review status: criteria provided, single submitter. Criteria: ACMG Guidelines, 2015. Collection method: clinical testing. Allele origin: germline.

CeGaT Center for Human Genetics Tuebingen
Classification: Benign. Last evaluated: 2022-10-01. Review status: criteria provided, single submitter. Criteria: CeGaT Center For Human Genetics Tuebingen Variant Classification Criteria Version 2. Collection method: clinical testing. Allele origin: germline. Affected: yes. Observed: 2 variant alleles.
Comment: UBTF: BS1, BS2

NM_014233.4(UBTF):c.1062C>T (p.Tyr354=)

Genes: ATXN7L3-AS1 (ATXN7L3 antisense RNA 1; plus strand), UBTF (upstream binding transcription factor; minus strand). Cytogenetic location: 17q21.31.
Variant type: single nucleotide variant.
Coding change: c.1062C>T on transcript NM_014233.4 (MANE Select); coding-DNA position 1062, C replaced by T.
Protein change: p.Tyr354=; no amino-acid change (tyrosine 354 retained).
Molecular consequence: synonymous variant. On other transcripts: non-coding transcript variant (1).
Genome position (GRCh38, 1-based): chr17:44,211,317, G>A on the plus strand (C>T on the coding strand, the complement: UBTF is on the minus strand). VCF-style: chr17-44211317-G-A. GRCh37 (hg19) VCF-style: chr17-42288685-G-A.
Other names: c.951C>T, p.Tyr317= (NM_001076683.2, NM_001076684.3).
Identifiers: ClinVar variation 2647826 (VCV002647826.25), dbSNP rs143885512, ClinGen allele CA8599613.